The following is an entry in ClinVar:

ClinVar aggregate classification (germline): Uncertain significance (1 of 4 stars; one submission).

Conditions:
RASopathy. Also called: rasopathies; Noonan spectrum disorder. Identifiers: Orphanet 536391, MedGen C5555857, MONDO:0021060.

Submission:

Labcorp Genetics (formerly Invitae), Labcorp
Classification: Uncertain significance for RASopathy. Last evaluated: 2021-04-23. Review status: criteria provided, single submitter. Criteria: Invitae Variant Classification Sherloc (09022015). Collection method: clinical testing. Allele origin: germline.
Comment: In summary, the available evidence is currently insufficient to determine the role of this variant in disease. Therefore, it has been classified as a Variant of Uncertain Significance. Nucleotide substitutions within the consensus splice site are a relatively common cause of aberrant splicing (PMID: 17576681, 9536098). Algorithms developed to predict the effect of sequence changes on RNA splicing suggest that this variant is not likely to affect RNA splicing, but this prediction has not been confirmed by published transcriptional studies. This variant has not been reported in the literature in individuals with SOS1-related conditions. This variant is not present in population databases (ExAC no frequency). This sequence change falls in intron 20 of the SOS1 gene. It does not directly change the encoded amino acid sequence of the SOS1 protein. It affects a nucleotide within the consensus splice site of the intron.

Literature cited by the submitters: PubMed 17576681; PubMed 9536098.

NM_005633.4(SOS1):c.3346+4G>C

Gene: SOS1 (SOS Ras/Rac guanine nucleotide exchange factor 1; minus strand). Cytogenetic location: 2p22.1.
Variant type: single nucleotide variant.
Coding change: c.3346+4G>C on transcript NM_005633.4 (MANE Select); 4 bases into the intron after coding-DNA position 3346, G replaced by C.
Molecular consequence: intron variant.
Genome position (GRCh38, 1-based): chr2:38,995,119, C>G on the plus strand (G>C on the coding strand, the complement: SOS1 is on the minus strand). VCF-style: chr2-38995119-C-G. GRCh37 (hg19) VCF-style: chr2-39222260-C-G.
Other names: c.3325+4G>C (NM_001382394.1); c.3346+4G>C (NM_001382395.1).
Identifiers: ClinVar variation 1461896 (VCV001461896.6), dbSNP rs1204153026, ClinGen allele CA2573134606.